The following is an entry in ClinVar:

ClinVar aggregate classification (germline): Benign/Likely benign. Review status: criteria provided, multiple submitters, no conflicts (2 of 4 stars). 5 submissions from 5 submitters: Benign (2); Likely benign (3). Last evaluated 2022-03-09.

Conditions:
CEDNIK syndrome. Also called: Cerebral dysgenesis, neuropathy, ichthyosis, and palmoplantar keratoderma; CEREBRAL DYSGENESIS, NEUROPATHY, ICHTHYOSIS, AND PALMOPLANTAR KERATODERMA SYNDROME. Identifiers: Orphanet 66631, MedGen C1836033, MONDO:0012290, OMIM 609528.

Allele frequency attached by ClinVar (database versions not stated): gnomAD exomes 0.00099 and 0.00237; ESP Exome Variant Server 0.01055; gnomAD 0.01122 and 0.01038; TOPMed 0.01133; 1000 Genomes Project 0.00998; ExAC 0.00309; 1000 Genomes Project 30x 0.01046.
gnomAD v4.1: 3,087 of 1,596,848 alleles (0.19%); highest among the groups gnomAD compares: African/African-American, 3.6%; 48 homozygotes.

Submissions (5):

GeneDx
Classification: Likely benign. Last evaluated: 2022-03-09. Review status: criteria provided, single submitter. Criteria: GeneDx Variant Classification Process June 2021. Collection method: clinical testing. Allele origin: germline. Affected: yes.

Mayo Clinic Laboratories, Mayo Clinic
Classification: Benign. Last evaluated: 2020-04-15. Review status: criteria provided, single submitter. Criteria: ACMG Guidelines, 2015. Collection method: clinical testing. Allele origin: germline. Observed: 10 variant alleles.

Illumina Laboratory Services, Illumina
Classification: Benign for CEDNIK syndrome. Last evaluated: 2018-01-13. Review status: criteria provided, single submitter. Criteria: ICSL Variant Classification Criteria 13 December 2019. Collection method: clinical testing. Allele origin: germline.
Comment: This variant was observed in the ICSL laboratory as part of a predisposition screen in an ostensibly healthy population. It had not been previously curated by ICSL or reported in the Human Gene Mutation Database (HGMD: prior to June 1st, 2018), and was therefore a candidate for classification through an automated scoring system. Utilizing variant allele frequency, disease prevalence and penetrance estimates, and inheritance mode, an automated score was calculated to assess if this variant is too frequent to cause the disease. Based on the score and internal cut-off values, a variant classified as benign is not then subjected to further curation. The score for this variant resulted in a classification of benign for this disease.

Athena Diagnostics
Classification: Likely benign. Last evaluated: 2017-02-03. Review status: criteria provided, single submitter. Criteria: Athena Diagnostics Criteria. Collection method: clinical testing. Allele origin: germline.

Breakthrough Genomics
Classification: Likely benign. Review status: criteria provided, single submitter. Criteria: ACMG Guidelines, 2015. Collection method: not provided. Allele origin: germline. Inheritance: Autosomal recessive inheritance. Affected: yes.

NM_004782.4(SNAP29):c.-5G>A

Gene: SNAP29 (synaptosome associated protein 29; plus strand). Cytogenetic location: 22q11.21.
Variant type: single nucleotide variant.
Coding change: c.-5G>A on transcript NM_004782.4 (MANE Select); 5 bases upstream of the start codon, G replaced by A.
Molecular consequence: 5 prime UTR variant.
Genome position (GRCh38, 1-based): chr22:20,859,106, G>A. VCF-style: chr22-20859106-G-A. GRCh37 (hg19) VCF-style: chr22-21213394-G-A.
Identifiers: ClinVar variation 340828 (VCV000340828.10), dbSNP rs139884576, ClinGen allele CA10116978.